The following is an entry in ClinVar:

NM_001384950.1(NLRC5):c.5379G>T (p.Pro1793=)

Gene: NLRC5 (NLR family CARD domain containing 5; plus strand). Cytogenetic location: 16q13.
Variant type: single nucleotide variant.
Coding change: c.5379G>T on transcript NM_001384950.1 (MANE Select); coding-DNA position 5379, G replaced by T.
Protein change: p.Pro1793=; no amino-acid change (proline 1793 retained).
Molecular consequence: synonymous variant. On other transcripts: non-coding transcript variant (8).
Genome position (GRCh38, 1-based): chr16:57,081,155, G>T. VCF-style: chr16-57081155-G-T. GRCh37 (hg19) VCF-style: chr16-57115067-G-T.
Other names: c.5292G>T, p.Pro1764= (NM_001330552.2, NM_001384951.1, NM_001384955.1 and 1 more transcripts); c.5376G>T, p.Pro1792= (NM_001384952.1, NM_001384953.1); c.5295G>T, p.Pro1765= (NM_001384954.1); c.5289G>T, p.Pro1763= (NM_001384957.1); c.5205G>T, p.Pro1735= (NM_001384958.1); c.5202G>T, p.Pro1734= (NM_001384959.1); c.5118G>T, p.Pro1706= (NM_001384960.1); c.5379G>T, p.Pro1793= (NM_032206.5).
Identifiers: ClinVar variation 2646555 (VCV002646555.24), dbSNP rs1270656610, ClinGen allele CA495623773.
Genomic context (GRCh38, chr16:57,081,155, plus strand): 5'-CAGGCTGTCCTGGAATCTCCTCGGGGATGAGGCAGCTGCCGAGCTGGCCCAGGTGCTGCC[G>T]CAGATGGGCCGGCTGAAGAGAGTGGAGTATGAGGGGCCGGGGGAGGAATGGGACGGGCTA-3'
Protein context (NP_001371879.1, residues 1783-1803): EAAAELAQVL[Pro1793=]QMGRLKRVDL

ClinVar aggregate classification (germline): Likely benign (1 of 4 stars; one submission).

Submission:

CeGaT Center for Human Genetics Tuebingen
Classification: Likely benign. Last evaluated: 2023-01-01. Review status: criteria provided, single submitter. Criteria: CeGaT Center For Human Genetics Tuebingen Variant Classification Criteria Version 2. Collection method: clinical testing. Allele origin: germline. Affected: yes. Observed: 1 variant allele.
Comment: NLRC5: BP4, BP7